The following is an entry in ClinVar:

NM_025137.4(SPG11):c.3398A>G (p.Gln1133Arg)

Gene: SPG11 (SPG11 vesicle trafficking associated, spatacsin; minus strand). Cytogenetic location: 15q21.1.
Variant type: single nucleotide variant.
Coding change: c.3398A>G on transcript NM_025137.4 (MANE Select); coding-DNA position 3398, A replaced by G.
Protein change: p.Gln1133Arg; replaces glutamine 1133 with arginine.
Molecular consequence: missense variant.
Genome position (GRCh38, 1-based): chr15:44,608,499, T>C on the plus strand (A>G on the coding strand, the complement: SPG11 is on the minus strand). VCF-style: chr15-44608499-T-C. GRCh37 (hg19) VCF-style: chr15-44900697-T-C.
Other names: c.3398A>G, p.Gln1133Arg (NM_001160227.2, NM_001411132.1); short protein forms Q1133R.
Identifiers: ClinVar variation 3390759 (VCV003390759.1).

ClinVar aggregate classification (germline): Uncertain significance (1 of 4 stars; one submission).

Submission:

GeneDx
Classification: Uncertain significance. Last evaluated: 2024-06-10. Review status: criteria provided, single submitter. Criteria: GeneDx Variant Classification Process June 2021. Collection method: clinical testing. Allele origin: germline. Affected: yes.
Comment: Not observed at significant frequency in large population cohorts (gnomAD); In silico analysis indicates that this missense variant does not alter protein structure/function; Has not been previously published as pathogenic or benign to our knowledge